The following is an entry in ClinVar:

ClinVar aggregate classification (germline): Uncertain significance (1 of 4 stars; one submission).

Conditions:
Cardiovascular phenotype. Identifiers: MedGen CN230736.

Allele frequency attached by ClinVar (database versions not stated): ExAC 0.00001.

Submission:

Ambry Genetics
Classification: Uncertain significance for Cardiovascular phenotype. Last evaluated: 2022-04-25. Review status: criteria provided, single submitter. Criteria: Ambry Variant Classification Scheme 2023. Collection method: clinical testing. Allele origin: germline.
Comment: The p.H541P variant (also known as c.1622A>C), located in coding exon 8 of the JUP gene, results from an A to C substitution at nucleotide position 1622. The histidine at codon 541 is replaced by proline, an amino acid with similar properties. This amino acid position is conserved. In addition, this alteration is predicted to be tolerated by in silico analysis. Since supporting evidence is limited at this time, the clinical significance of this alteration remains unclear.

NM_002230.4(JUP):c.1622A>C (p.His541Pro)

Gene: JUP (junction plakoglobin; minus strand). Cytogenetic location: 17q21.2.
Variant type: single nucleotide variant.
Coding change: c.1622A>C on transcript NM_002230.4 (MANE Select); coding-DNA position 1622, A replaced by C.
Protein change: p.His541Pro; replaces histidine 541 with proline.
Molecular consequence: missense variant.
Genome position (GRCh38, 1-based): chr17:41,758,746, T>G on the plus strand (A>C on the coding strand, the complement: JUP is on the minus strand). VCF-style: chr17-41758746-T-G. GRCh37 (hg19) VCF-style: chr17-39914998-T-G.
Other names: c.1622A>C, p.His541Pro (NM_001352773.2, NM_001352774.2, NM_001352775.2 and 3 more transcripts); short protein forms H541P.
Identifiers: ClinVar variation 1776622 (VCV001776622.2), dbSNP rs782449369, ClinGen allele CA8565180.